The following is an entry in ClinVar:

NM_177438.3(DICER1):c.5299dup (p.His1767fs)

Gene: DICER1 (dicer 1, ribonuclease III; minus strand). Cytogenetic location: 14q32.13.
Variant type: Duplication.
Coding change: c.5299dup on transcript NM_177438.3 (MANE Select); coding-DNA position 5299, one base duplicated (C; older notation c.5299dupC).
Protein change: p.His1767fs; shifts the reading frame from histidine 1767.
Molecular consequence: frameshift variant. On other transcripts: non-coding transcript variant (6).
Genome position (GRCh38, 1-based): chr14:95,093,953, G duplicated on the plus strand (C on the coding strand, the reverse complement: DICER1 is on the minus strand); the first of 2 consecutive G bases (chr14:95,093,953-95,093,954); duplicating either gives the same sequence. VCF-style (leftmost placement, unchanged base first): chr14-95093952-T-TG. GRCh37 (hg19) VCF-style: chr14-95560289-T-TG.
Other names: c.5299dup (NM_177438.2); c.5299dup, p.His1767fs (NM_001195573.1, NM_001271282.3, NM_001291628.2 and 8 more transcripts); c.5298dup, p.His1767Profs (NM_001395681.1); c.5017dup, p.His1673fs (NM_001395686.1); c.4894dup, p.His1632fs (NM_001395687.1, NM_001395688.1, NM_001395689.1 and 1 more transcripts); c.4732dup, p.His1578fs (NM_001395691.1); c.3616dup, p.His1206fs (NM_001395697.1); short protein forms H1206fs, H1578fs, H1632fs, H1673fs, H1767fs.
Identifiers: ClinVar variation 2681882 (VCV002681882.2), dbSNP rs886037727, ClinGen allele CA2697554149.

ClinVar aggregate classification (germline): Likely pathogenic (1 of 4 stars; one submission).

Submission:

Quest Diagnostics Nichols Institute San Juan Capistrano
Classification: Likely pathogenic. Last evaluated: 2025-05-16. Review status: criteria provided, single submitter. Criteria: Quest Diagnostics criteria. Collection method: clinical testing. Allele origin: unknown.
Comment: The DICER1 c.5299dup (p.His1767Profs*4) variant alters the translational reading frame of the DICER1 mRNA and is predicted to cause the premature termination of DICER1 protein synthesis. This variant has not been reported in individuals with DICER1-related conditions in the published literature. This variant has not been reported in large, multi-ethnic general populations (Genome Aggregation Database). Based on the available information, this variant is classified as likely pathogenic.